The following is an entry in ClinVar:

ClinVar aggregate classification (germline): Uncertain significance (1 of 4 stars; one submission).

Allele frequency attached by ClinVar (database versions not stated): gnomAD exomes 0.00001.
gnomAD v4.1: 5 of 1,614,168 alleles (0.00031%); highest among the groups gnomAD compares: Non-Finnish European, 0.00042%; no homozygotes.

Submission:

Ambry Genetics
Classification: Uncertain significance. Last evaluated: 2021-11-02. Review status: criteria provided, single submitter. Criteria: Ambry Variant Classification Scheme 2023. Collection method: clinical testing. Allele origin: germline.
Comment: The p.L1338I variant (also known as c.4012C>A), located in coding exon 4 of the ALPK2 gene, results from a C to A substitution at nucleotide position 4012. The leucine at codon 1338 is replaced by isoleucine, an amino acid with highly similar properties. This amino acid position is conserved. In addition, this alteration is predicted to be tolerated by in silico analysis. Since supporting evidence is limited at this time, the clinical significance of this alteration remains unclear.

NM_052947.4(ALPK2):c.4012C>A (p.Leu1338Ile)

Genes: ALPK2 (alpha kinase 2; minus strand), LOC126862764 (BRD4-independent group 4 enhancer GRCh37_chr18:56202574-56203773; plus strand). Cytogenetic location: 18q21.31.
Variant type: single nucleotide variant.
Coding change: c.4012C>A on transcript NM_052947.4 (MANE Select); coding-DNA position 4012, C replaced by A.
Protein change: p.Leu1338Ile; replaces leucine 1338 with isoleucine.
Molecular consequence: missense variant.
Genome position (GRCh38, 1-based): chr18:58,536,175, G>T on the plus strand (C>A on the coding strand, the complement: ALPK2 is on the minus strand). VCF-style: chr18-58536175-G-T. GRCh37 (hg19) VCF-style: chr18-56203407-G-T.
Other names: short protein forms L1338I.
Identifiers: ClinVar variation 1737026 (VCV001737026.2), dbSNP rs2144146582, ClinGen allele CA402564763.